The following is an entry in ClinVar:

ClinVar aggregate classification (germline): Uncertain significance (1 of 4 stars; one submission).

Conditions:
Cardiovascular phenotype. Identifiers: MedGen CN230736.

Allele frequency attached by ClinVar (database versions not stated): gnomAD exomes below 0.00001.
gnomAD v4.1: 1 of 1,613,478 alleles (0.000062%); highest among the groups gnomAD compares: Non-Finnish European, 0.000085%; no homozygotes.

Submission:

Ambry Genetics
Classification: Uncertain significance for Cardiovascular phenotype. Last evaluated: 2024-01-24. Review status: criteria provided, single submitter. Criteria: Ambry Variant Classification Scheme 2023. Collection method: clinical testing. Allele origin: germline.
Comment: The p.A787D variant (also known as c.2360C>A), located in coding exon 19 of the ABCC9 gene, results from a C to A substitution at nucleotide position 2360. The alanine at codon 787 is replaced by aspartic acid, an amino acid with dissimilar properties. This amino acid position is highly conserved in available vertebrate species. In addition, this alteration is predicted to be deleterious by in silico analysis. Based on the available evidence, the clinical significance of this alteration remains unclear.

NM_020297.4(ABCC9):c.2360C>A (p.Ala787Asp)

Gene: ABCC9 (ATP binding cassette subfamily C member 9; minus strand). Cytogenetic location: 12p12.1.
Variant type: single nucleotide variant.
Coding change: c.2360C>A on transcript NM_020297.4 (MANE Select); coding-DNA position 2360, C replaced by A.
Protein change: p.Ala787Asp; replaces alanine 787 with aspartic acid.
Molecular consequence: missense variant.
Genome position (GRCh38, 1-based): chr12:21,861,035, G>T on the plus strand (C>A on the coding strand, the complement: ABCC9 is on the minus strand). VCF-style: chr12-21861035-G-T. GRCh37 (hg19) VCF-style: chr12-22013969-G-T.
Other names: c.2360C>A, p.Ala787Asp (NM_001377273.1, NM_005691.4); c.1493C>A, p.Ala498Asp (NM_001377274.1); short protein forms A498D, A787D.
Identifiers: ClinVar variation 3224918 (VCV003224918.1), dbSNP rs2541212303, ClinGen allele CA384128499.